The following is an entry in ClinVar:

NM_001079872.2(CUL4B):c.1945C>T (p.Gln649Ter)

Gene: CUL4B (cullin 4B; minus strand). Cytogenetic location: Xq24.
Variant type: single nucleotide variant.
Coding change: c.1945C>T on transcript NM_001079872.2 (MANE Select); coding-DNA position 1945, C replaced by T.
Protein change: p.Gln649Ter; replaces glutamine 649 with a stop codon.
Molecular consequence: nonsense.
Genome position (GRCh38, 1-based): chrX:120,537,028, G>A on the plus strand (C>T on the coding strand, the complement: CUL4B is on the minus strand). VCF-style: chrX-120537028-G-A. GRCh37 (hg19) VCF-style: chrX-119670883-G-A.
Other names: c.1960C>T, p.Gln654Ter (NM_001330624.2); c.1411C>T, p.Gln471Ter (NM_001369145.1); c.1999C>T, p.Gln667Ter (NM_003588.4); short protein forms Q471*, Q649*, Q654*, Q667*.
Identifiers: ClinVar variation 3766067 (VCV003766067.1).

ClinVar aggregate classification (germline): Pathogenic (1 of 4 stars; one submission).

Submission:

GeneDx
Classification: Pathogenic. Last evaluated: 2024-08-26. Review status: criteria provided, single submitter. Criteria: GeneDx Variant Classification Process June 2021. Collection method: clinical testing. Allele origin: germline. Affected: yes.
Comment: Nonsense variant predicted to result in protein truncation or nonsense mediated decay in a gene for which loss of function is a known mechanism of disease; Not observed at significant frequency in large population cohorts (gnomAD); Has not been previously published as pathogenic or benign to our knowledge